The following is an entry in ClinVar:

NM_001142864.4(PIEZO1):c.2385C>T (p.Phe795=)

Genes: HSALR1 (HSP90AB1 associated lncRNA 1; plus strand), PIEZO1 (piezo type mechanosensitive ion channel component 1 (Er blood group); minus strand). Cytogenetic location: 16q24.3.
Variant type: single nucleotide variant.
Coding change: c.2385C>T on transcript NM_001142864.4 (MANE Select); coding-DNA position 2385, C replaced by T.
Protein change: p.Phe795=; no amino-acid change (phenylalanine 795 retained).
Molecular consequence: synonymous variant.
Genome position (GRCh38, 1-based): chr16:88,733,690, G>A on the plus strand (C>T on the coding strand, the complement: PIEZO1 is on the minus strand). VCF-style: chr16-88733690-G-A. GRCh37 (hg19) VCF-style: chr16-88800098-G-A.
Other names: p.Phe795=; c.927C>T, p.Phe309= (NM_014745.1).
Identifiers: ClinVar variation 2175540 (VCV002175540.5), dbSNP rs1004924007, ClinGen allele CA286422837.

ClinVar aggregate classification (germline): Likely benign. Review status: criteria provided, multiple submitters, no conflicts (2 of 4 stars). 2 submissions from 2 submitters: Likely benign (2). Last evaluated 2025-11-29.

Allele frequency attached by ClinVar (database versions not stated): gnomAD 0.00003; TOPMed 0.00005.

Submissions (2):

Mayo Clinic Laboratories, Mayo Clinic
Classification: Likely benign. Last evaluated: 2025-11-29. Review status: criteria provided, single submitter. Criteria: ACMG Guidelines, 2015. Collection method: clinical testing. Allele origin: germline. Observed: 1 variant allele.
Comment: BP4, BP7

Labcorp Genetics (formerly Invitae), Labcorp
Classification: Likely benign. Last evaluated: 2024-10-30. Review status: criteria provided, single submitter. Criteria: Invitae Variant Classification Sherloc (09022015). Collection method: clinical testing. Allele origin: germline.